The following is an entry in ClinVar:

ClinVar aggregate classification (germline): Benign/Likely benign. Review status: criteria provided, multiple submitters, no conflicts (2 of 4 stars). 9 submissions from 9 submitters: Benign (6); Likely benign (1). 2 of the submissions do not count toward it. Last evaluated 2026-02-04.

Conditions:
Primary hyperoxaluria, type I (HP1). Also called: GLYCOLIC ACIDURIA; HEPATIC AGT DEFICIENCY; OXALOSIS I; Primary hyperoxaluria type 1. Identifiers: Orphanet 416, Orphanet 93598, MedGen C0268164, MONDO:0009823, OMIM 259900. Disease mechanism: loss of function.

Allele frequency attached by ClinVar (database versions not stated): 1000 Genomes Project 30x 0.05169; gnomAD 0.02454 and 0.02479; gnomAD exomes 0.01666 and 0.00658; ExAC 0.01817; TOPMed 0.02789; ESP Exome Variant Server 0.02407; 1000 Genomes Project 0.05212.
gnomAD v4.1: 13,580 of 1,613,066 alleles (0.84%); highest among the groups gnomAD compares: East Asian, 7.7%; 415 homozygotes.

Submissions (9):

Labcorp Genetics (formerly Invitae), Labcorp
Classification: Benign. Last evaluated: 2026-02-04. Review status: criteria provided, single submitter. Criteria: Invitae Variant Classification Sherloc (09022015). Collection method: clinical testing. Allele origin: germline.

Blueprint Genetics
Classification: Likely benign. Last evaluated: 2024-11-25. Review status: criteria provided, single submitter. Criteria: ACMG Guidelines, 2015. Collection method: clinical testing. Allele origin: germline.

Mayo Clinic Laboratories, Mayo Clinic
Classification: Benign. Last evaluated: 2023-04-03. Review status: criteria provided, single submitter. Criteria: ACMG Guidelines, 2015. Collection method: clinical testing. Allele origin: germline. Observed: 8 variant alleles.
Comment: BA1, BP4

GeneDx
Classification: Benign. Last evaluated: 2019-01-18. Review status: criteria provided, single submitter. Criteria: GeneDx Variant Classification Process June 2021. Collection method: clinical testing. Allele origin: germline. Affected: yes.
Comment: This variant is associated with the following publications: (PMID: 28969594)

Illumina Laboratory Services, Illumina
Classification: Benign for Primary hyperoxaluria, type I. Last evaluated: 2018-01-13. Review status: criteria provided, single submitter. Criteria: ICSL Variant Classification Criteria 13 December 2019. Collection method: clinical testing. Allele origin: germline.
Comment: This variant was observed in the ICSL laboratory as part of a predisposition screen in an ostensibly healthy population. It had not been previously curated by ICSL or reported in the Human Gene Mutation Database (HGMD: prior to June 1st, 2018), and was therefore a candidate for classification through an automated scoring system. Utilizing variant allele frequency, disease prevalence and penetrance estimates, and inheritance mode, an automated score was calculated to assess if this variant is too frequent to cause the disease. Based on the score and internal cut-off values, a variant classified as benign is not then subjected to further curation. The score for this variant resulted in a classification of benign for this disease.

Eurofins Ntd Llc (ga)
Classification: Benign. Last evaluated: 2016-06-22. Review status: criteria provided, single submitter. Criteria: EGL Classification Definitions 2015. Collection method: clinical testing. Allele origin: germline. Observed: 1 variant allele, 1 heterozygote.

Breakthrough Genomics
Classification: Benign. Review status: criteria provided, single submitter. Criteria: ACMG Guidelines, 2015. Collection method: not provided. Allele origin: germline. Inheritance: Autosomal recessive inheritance. Affected: yes.

Natera, Inc.
Classification: Benign for Primary hyperoxaluria type I. Last evaluated: 2019-10-17. Review status: no assertion criteria provided. Collection method: clinical testing. Allele origin: germline. Not counted in ClinVar's aggregate classification.

Clinical Biochemistry Laboratory, Health Services Laboratory
Classification: Uncertain significance for Primary hyperoxaluria, type I. Last evaluated: 2014-11-27. Review status: no assertion criteria provided. Collection method: research. Allele origin: germline. Affected: yes. Not counted in ClinVar's aggregate classification.
Comment: Variant in cis with R289C.

Literature cited by the submitters: PubMed 1947995 (cited by Mayo Clinic Laboratories, Mayo Clinic); PubMed 28969594 (cited by Mayo Clinic Laboratories, Mayo Clinic); PubMed 35661454 (cited by Mayo Clinic Laboratories, Mayo Clinic); PubMed 19479957 (cited by Clinical Biochemistry Laboratory, Health Services Laboratory).

NM_000030.3(AGXT):c.65A>G (p.Asn22Ser)

Gene: AGXT (alanine--glyoxylate aminotransferase; plus strand). Cytogenetic location: 2q37.3.
Variant type: single nucleotide variant.
Coding change: c.65A>G on transcript NM_000030.3 (MANE Select); coding-DNA position 65, A replaced by G.
Protein change: p.Asn22Ser; replaces asparagine 22 with serine.
Molecular consequence: missense variant.
Genome position (GRCh38, 1-based): chr2:240,868,930, A>G. VCF-style: chr2-240868930-A-G. GRCh37 (hg19) VCF-style: chr2-241808347-A-G.
Other names: short protein forms N22S.
Identifiers: ClinVar variation 204020 (VCV000204020.32), dbSNP rs34885252, ClinGen allele CA275548.